The following is an entry in ClinVar:

ClinVar aggregate classification (germline): Pathogenic/Likely pathogenic. Review status: criteria provided, multiple submitters, no conflicts (2 of 4 stars). 3 submissions from 3 submitters: Pathogenic (1); Likely pathogenic (2). Last evaluated 2024-10-21.

Conditions:
Tumoral calcinosis, hyperphosphatemic, familial, 1. Also called: CALCINOSIS, TUMORAL, WITH HYPERPHOSPHATEMIA; LIPOCALCINOGRANULOMATOSIS; MORBUS TEUTSCHLAENDER; TEUTSCHLAENDER DISEASE, FAMILIAL; TUMORAL CALCINOSIS, PRIMARY HYPERPHOSPHATEMIC; HYPEROSTOSIS WITH HYPERPHOSPHATEMIA. Identifiers: Orphanet 53715, MedGen C4692564, MONDO:0100252, OMIM 211900.
GALNT3-related disorder. Also called: GALNT3-related condition.

gnomAD v4.1: 14 of 1,613,006 alleles (0.00087%); highest among the groups gnomAD compares: Non-Finnish European, 0.0012%; no homozygotes.

Submissions (4):

Labcorp Genetics (formerly Invitae), Labcorp
Classification: Pathogenic. Last evaluated: 2024-10-21. Review status: criteria provided, single submitter. Criteria: Invitae Variant Classification Sherloc (09022015). Collection method: clinical testing. Allele origin: germline.
Comment: This sequence change affects an acceptor splice site in intron 2 of the GALNT3 gene. It is expected to disrupt RNA splicing. Variants that disrupt the donor or acceptor splice site typically lead to a loss of protein function (PMID: 16199547), and loss-of-function variants in GALNT3 are known to be pathogenic (PMID: 15133511, 20358599). This variant is present in population databases (rs761396172, gnomAD 0.004%). Disruption of this splice site has been observed in individual(s) with tumoral Calcinosi (PMID: 5899975, 15687324). In at least one individual the data is consistent with being in trans (on the opposite chromosome) from a pathogenic variant. ClinVar contains an entry for this variant (Variation ID: 2637478). Algorithms developed to predict the effect of sequence changes on RNA splicing suggest that this variant may disrupt the consensus splice site. For these reasons, this variant has been classified as Pathogenic.

Women's Health and Genetics/Laboratory Corporation of America, LabCorp
Classification: Likely pathogenic for Tumoral calcinosis, hyperphosphatemic, familial, 1. Last evaluated: 2023-10-03. Review status: criteria provided, single submitter. Criteria: LabCorp Variant Classification Summary - May 2015. Collection method: clinical testing. Allele origin: germline.
Comment: Variant summary: GALNT3 c.516-2A>G is located in a canonical splice-site and is predicted to affect mRNA splicing resulting in a significantly altered protein due to either exon skipping, shortening, or inclusion of intronic material. Several computational tools predict a significant impact on normal splicing: Four predict the variant abolishes a canonical 3' acceptor site. However, these predictions have yet to be confirmed by functional studies. The variant allele was found at a frequency of 1.6e-05 in 250868 control chromosomes (gnomAD). c.516-2A>G has been reported in the literature in a homozygous individual affected with Tumoral calcinosis (example: Masi_2015). These data indicate that the variant may be associated with disease. At least one publication reports experimental evidence evaluating an impact on protein function. A higher capability to form mineralization nodules in vitro was found in human preosteoblastic cells of mutant when compared to wild-type controls (example: Masi_2015). The following publication has been ascertained in the context of this evaluation (PMID: 25899975). No submitters have cited clinical-significance assessments for this variant to ClinVar after 2014. Based on the evidence outlined above, the variant was classified as likely pathogenic.

Blueprint Genetics
Classification: Likely pathogenic for GALNT3-related disorders. Last evaluated: 2020-05-04. Review status: criteria provided, single submitter. Criteria: ACMG Guidelines, 2015. Collection method: clinical testing. Allele origin: germline. Affected: yes. Observed: 2 variant alleles.

Dr. Peter K. Rogan Lab, Western University
No classification provided (evidence only). Condition: Malignant tumor of urinary bladder. Review status: no classification provided. Collection method: in vitro. Allele origin: not applicable. Functional consequence: retained intron. Not counted in ClinVar's aggregate classification.

Literature cited by the submitters: PubMed 16199547 (cited by Labcorp Genetics (formerly Invitae), Labcorp); PubMed 15133511 (cited by Labcorp Genetics (formerly Invitae), Labcorp); PubMed 20358599 (cited by Labcorp Genetics (formerly Invitae), Labcorp); PubMed 5899975 (cited by Labcorp Genetics (formerly Invitae), Labcorp); PubMed 15687324 (cited by Labcorp Genetics (formerly Invitae), Labcorp); PubMed 25899975 (cited by Women's Health and Genetics/Laboratory Corporation of America, LabCorp).

NM_004482.4(GALNT3):c.516-2A>G

Gene: GALNT3 (polypeptide N-acetylgalactosaminyltransferase 3; minus strand). Cytogenetic location: 2q24.3.
Variant type: single nucleotide variant.
Coding change: c.516-2A>G on transcript NM_004482.4 (MANE Select); the canonical splice acceptor site of the intron before coding-DNA position 516, A replaced by G.
Molecular consequence: splice acceptor variant.
Genome position (GRCh38, 1-based): chr2:165,765,058, T>C on the plus strand (A>G on the coding strand, the complement: GALNT3 is on the minus strand). VCF-style: chr2-165765058-T-C. GRCh37 (hg19) VCF-style: chr2-166621568-T-C.
Identifiers: ClinVar variation 2637478 (VCV002637478.6), dbSNP rs761396172, ClinGen allele CA1941199.
Genomic context (GRCh38, chr2:165,765,058, plus strand): 5'-CTATTATGACACTGGTGGTGGGCAGGGGAGGGCAGCGCTTAAATTTTTGTTCAATACATC[T>C]AGAAGAAGTCAGAGAAGTAGAAAAACAATTACAAATTTTATTATTTTATTTCACAGCTAT-3'